The following is an entry in ClinVar:

ClinVar aggregate classification (germline): Uncertain significance (1 of 4 stars; one submission).

gnomAD v4.1: 2 of 1,614,016 alleles (0.00012%); highest among the groups gnomAD compares: Non-Finnish European, 0.00017%; no homozygotes.

Submission:

Labcorp Genetics (formerly Invitae), Labcorp
Classification: Uncertain significance. Last evaluated: 2025-01-20. Review status: criteria provided, single submitter. Criteria: Invitae Variant Classification Sherloc (09022015). Collection method: clinical testing. Allele origin: germline.
Comment: This sequence change replaces valine, which is neutral and non-polar, with phenylalanine, which is neutral and non-polar, at codon 1558 of the SON protein (p.Val1558Phe). This variant is not present in population databases (gnomAD no frequency). This variant has not been reported in the literature in individuals affected with SON-related conditions. An algorithm developed to predict the effect of missense changes on protein structure and function (PolyPhen-2) suggests that this variant is likely to be tolerated. In summary, the available evidence is currently insufficient to determine the role of this variant in disease. Therefore, it has been classified as a Variant of Uncertain Significance.

NM_138927.4(SON):c.4672G>T (p.Val1558Phe)

Gene: SON (SON DNA and RNA binding protein; plus strand). Cytogenetic location: 21q22.11.
Variant type: single nucleotide variant.
Coding change: c.4672G>T on transcript NM_138927.4 (MANE Select); coding-DNA position 4672, G replaced by T.
Protein change: p.Val1558Phe; replaces valine 1558 with phenylalanine.
Molecular consequence: missense variant. On other transcripts: non-coding transcript variant (1), intron variant (1).
Genome position (GRCh38, 1-based): chr21:33,553,903, G>T. VCF-style: chr21-33553903-G-T. GRCh37 (hg19) VCF-style: chr21-34926209-G-T.
Other names: c.4672G>T, p.Val1558Phe (NM_001291411.2, NM_032195.3); c.245-3253G>T (NM_001291412.3); short protein forms V1558F.
Identifiers: ClinVar variation 3695350 (VCV003695350.2).